The following is an entry in ClinVar:

ClinVar aggregate classification (germline): Uncertain significance (1 of 4 stars; one submission).

gnomAD v4.1: 1 of 1,613,866 alleles (0.000062%); highest among the groups gnomAD compares: Non-Finnish European, 0.000085%; no homozygotes.

Submission:

Labcorp Genetics (formerly Invitae), Labcorp
Classification: Uncertain significance. Last evaluated: 2025-09-01. Review status: criteria provided, single submitter. Criteria: Invitae Variant Classification Sherloc (09022015). Collection method: clinical testing. Allele origin: germline.
Comment: This sequence change replaces threonine, which is neutral and polar, with proline, which is neutral and non-polar, at codon 1173 of the ARHGEF10 protein (p.Thr1173Pro). This variant is not present in population databases (gnomAD no frequency). This variant has not been reported in the literature in individuals affected with ARHGEF10-related conditions. Invitae Evidence Modeling of protein sequence and biophysical properties (such as structural, functional, and spatial information, amino acid conservation, physicochemical variation, residue mobility, and thermodynamic stability) indicates that this missense variant is not expected to disrupt ARHGEF10 protein function with a negative predictive value of 80%. In summary, the available evidence is currently insufficient to determine the role of this variant in disease. Therefore, it has been classified as a Variant of Uncertain Significance.

NM_014629.4(ARHGEF10):c.3517A>C (p.Thr1173Pro)

Gene: ARHGEF10 (Rho guanine nucleotide exchange factor 10; plus strand). Cytogenetic location: 8p23.3.
Variant type: single nucleotide variant.
Coding change: c.3517A>C on transcript NM_014629.4 (MANE Select); coding-DNA position 3517, A replaced by C.
Protein change: p.Thr1173Pro; replaces threonine 1173 with proline.
Molecular consequence: missense variant. On other transcripts: intron variant (1).
Genome position (GRCh38, 1-based): chr8:1,952,824, A>C. VCF-style: chr8-1952824-A-C. GRCh37 (hg19) VCF-style: chr8-1900990-A-C.
Other names: c.3403A>C, p.Thr1135Pro (NM_001308152.2); c.3517A>C, p.Thr1173Pro (NM_001308153.3); c.3520A>C, p.Thr1174Pro (NM_001438091.1); c.3400A>C, p.Thr1134Pro (NM_001438092.1, NM_001438093.1); c.3284-3925A>C (NM_001438094.1); short protein forms T1134P, T1197P, T1135P, T1174P, T1173P.
Identifiers: ClinVar variation 4690923 (VCV004690923.1).
Genomic context (GRCh38, chr8:1,952,824, plus strand): 5'-ACCAGCCTGGGAGTCCTCGTGGCCCTGCCGGTCCCACGTCTGCAAGGGATTCCCAAAGTG[A>C]CCGGTGAGTGGCACCTGCAGTCTGAGTGGCTGCATCCTGTCTTGCAGGCTCGTGGAGCAT-3'
Protein context (NP_055444.2, residues 1163-1183): VPRLQGIPKV[Thr1173Pro]GRGMVSYHAH